The following is an entry in ClinVar:

NM_006922.4(SCN3A):c.2329A>G (p.Met777Val)

Gene: SCN3A (sodium voltage-gated channel alpha subunit 3; minus strand). Cytogenetic location: 2q24.3.
Variant type: single nucleotide variant.
Coding change: c.2329A>G on transcript NM_006922.4 (MANE Select); coding-DNA position 2329, A replaced by G.
Protein change: p.Met777Val; replaces methionine 777 with valine.
Molecular consequence: missense variant.
Genome position (GRCh38, 1-based): chr2:165,137,941, T>C on the plus strand (A>G on the coding strand, the complement: SCN3A is on the minus strand). VCF-style: chr2-165137941-T-C. GRCh37 (hg19) VCF-style: chr2-165994451-T-C.
Other names: c.2182A>G, p.Met728Val (NM_001081676.2, NM_001081677.2); short protein forms M728V, M777V.
Identifiers: ClinVar variation 1312208 (VCV001312208.2), dbSNP rs746866750, ClinGen allele CA349045077.

ClinVar aggregate classification (germline): Uncertain significance (1 of 4 stars; one submission).

Submission:

GeneDx
Classification: Uncertain significance. Last evaluated: 2020-01-29. Review status: criteria provided, single submitter. Criteria: GeneDx Variant Classification Process June 2021. Collection method: clinical testing. Allele origin: germline. Affected: yes.
Comment: Not observed in large population cohorts (Lek et al., 2016); In silico analysis, which includes protein predictors and evolutionary conservation, supports a deleterious effect; Has not been previously published as pathogenic or benign to our knowledge